The following is an entry in ClinVar:

ClinVar aggregate classification (germline): Uncertain significance. Review status: criteria provided, multiple submitters, no conflicts (2 of 4 stars). 4 submissions from 4 submitters: Uncertain significance (4). Last evaluated 2026-01-25.

Conditions:
Cardiomyopathy (CMYO). Also called: Cardiomyopathies. Identifiers: Orphanet 167848, MedGen C0878544, MONDO:0004994, HP:0001638. Inheritance: Various modes of inheritance.
Hypertrophic cardiomyopathy. Also called: HYPERTROPHIC MYOCARDIOPATHY. Identifiers: Orphanet 217569, MedGen C0007194, MeSH D002312, MONDO:0005045, HP:0001639.

Allele frequency attached by ClinVar (database versions not stated): gnomAD exomes below 0.00001; TOPMed below 0.00001; ExAC 0.00001.
gnomAD v4.1: 1 of 1,614,146 alleles (0.000062%); highest among the groups gnomAD compares: Admixed American, 0.0017%; no homozygotes.

Submissions (4):

Labcorp Genetics (formerly Invitae), Labcorp
Classification: Uncertain significance for Hypertrophic cardiomyopathy. Last evaluated: 2026-01-25. Review status: criteria provided, single submitter. Criteria: Invitae Variant Classification Sherloc (09022015). Collection method: clinical testing. Allele origin: germline.
Comment: This sequence change replaces valine, which is neutral and non-polar, with methionine, which is neutral and non-polar, at codon 92 of the MYL3 protein (p.Val92Met). This variant is present in population databases (rs770961856, gnomAD 0.003%). This variant has not been reported in the literature in individuals affected with MYL3-related conditions. ClinVar contains an entry for this variant (Variation ID: 626717). An algorithm developed to predict the effect of missense changes on protein structure and function (PolyPhen-2) suggests that this variant is likely to be disruptive. In summary, the available evidence is currently insufficient to determine the role of this variant in disease. Therefore, it has been classified as a Variant of Uncertain Significance.

GeneDx
Classification: Uncertain significance. Last evaluated: 2025-06-12. Review status: criteria provided, single submitter. Criteria: GeneDx Variant Classification Process June 2021. Collection method: clinical testing. Allele origin: germline. Affected: yes.
Comment: Not observed at significant frequency in large population cohorts (gnomAD); In silico analysis supports that this missense variant has a deleterious effect on protein structure/function; Has not been previously published as pathogenic or benign to our knowledge

All of Us Research Program, National Institutes of Health
Classification: Uncertain significance for Hypertrophic cardiomyopathy. Last evaluated: 2023-06-27. Review status: criteria provided, single submitter. Criteria: ACMG Guidelines, 2015. Collection method: clinical testing. Allele origin: germline. Inheritance: Autosomal dominant inheritance. Observed: 1 variant allele, 1 heterozygote.
Comment: This study involves interpretation of variants in research participants for the purpose of population health screening. Participant phenotype was not available at the time of variant classification. Additional details can be found in publication PMID: 35346344, PMCID: PMC8962531

CHEO Genetics Diagnostic Laboratory, Children's Hospital of Eastern Ontario
Classification: Uncertain significance for Cardiomyopathy. Last evaluated: 2020-12-18. Review status: criteria provided, single submitter. Criteria: ACMG Guidelines, 2015. Collection method: clinical testing. Allele origin: germline. Study: Canadian Open Genetics Repository.

NM_000258.3(MYL3):c.274G>A (p.Val92Met)

Gene: MYL3 (myosin light chain 3; minus strand). Cytogenetic location: 3p21.31.
Variant type: single nucleotide variant.
Coding change: c.274G>A on transcript NM_000258.3 (MANE Select); coding-DNA position 274, G replaced by A.
Protein change: p.Val92Met; replaces valine 92 with methionine.
Molecular consequence: missense variant.
Genome position (GRCh38, 1-based): chr3:46,860,709, C>T on the plus strand (G>A on the coding strand, the complement: MYL3 is on the minus strand). VCF-style: chr3-46860709-C-T. GRCh37 (hg19) VCF-style: chr3-46902199-C-T.
Other names: short protein forms V92M.
Identifiers: ClinVar variation 626717 (VCV000626717.9), dbSNP rs770961856, ClinGen allele CA043267.